The following is an entry in ClinVar:

NM_015178.3(RHOBTB2):c.258T>C (p.Phe86=)

Gene: RHOBTB2 (Rho related BTB domain containing 2; plus strand). Cytogenetic location: 8p21.3.
Variant type: single nucleotide variant.
Coding change: c.258T>C on transcript NM_015178.3 (MANE Select); coding-DNA position 258, T replaced by C.
Protein change: p.Phe86=; no amino-acid change (phenylalanine 86 retained).
Molecular consequence: synonymous variant.
Genome position (GRCh38, 1-based): chr8:23,005,437, T>C. VCF-style: chr8-23005437-T-C. GRCh37 (hg19) VCF-style: chr8-22862950-T-C.
Other names: c.324T>C, p.Phe108= (NM_001160036.2); c.279T>C, p.Phe93= (NM_001160037.2); c.258T>C, p.Phe86= (NM_001374791.1).
Identifiers: ClinVar variation 4872348 (VCV004872348.2).

ClinVar aggregate classification (germline): Likely benign (1 of 4 stars; one submission).

Submission:

CeGaT Center for Human Genetics Tuebingen
Classification: Likely benign. Last evaluated: 2026-05-01. Review status: criteria provided, single submitter. Criteria: CeGaT Center For Human Genetics Tuebingen Variant Classification Criteria Version 2. Collection method: clinical testing. Allele origin: germline. Affected: yes. Observed: 1 variant allele.
Comment: RHOBTB2: PM2:Supporting, BP4, BP7